The following is an entry in ClinVar:

NM_002473.6(MYH9):c.3840G>A (p.Val1280=)

Gene: MYH9 (myosin heavy chain 9; minus strand). Cytogenetic location: 22q12.3.
Variant type: single nucleotide variant.
Coding change: c.3840G>A on transcript NM_002473.6 (MANE Select); coding-DNA position 3840, G replaced by A.
Protein change: p.Val1280=; no amino-acid change (valine 1280 retained).
Molecular consequence: synonymous variant.
Genome position (GRCh38, 1-based): chr22:36,293,861, C>T on the plus strand (G>A on the coding strand, the complement: MYH9 is on the minus strand). VCF-style: chr22-36293861-C-T. GRCh37 (hg19) VCF-style: chr22-36689907-C-T.
Other names: c.3840G>A (NM_002473.4).
Identifiers: ClinVar variation 3049944 (VCV003049944.3), dbSNP rs2016745703, ClinGen allele CA514473665.

ClinVar aggregate classification (germline): Uncertain significance. Review status: criteria provided, single submitter (1 of 4 stars). 2 submissions from 2 submitters: Uncertain significance (1). 1 of the submissions does not count toward it. Last evaluated 2025-07-14.

Conditions:
MYH9-related disorder. Identifiers: MedGen C1854520.

Allele frequency attached by ClinVar (database versions not stated): gnomAD exomes below 0.00001; TOPMed 0.00001.
gnomAD v4.1: 1 of 1,612,898 alleles (0.000062%); highest among the groups gnomAD compares: Non-Finnish European, 0.000085%; no homozygotes.

Submissions (2):

GeneDx
Classification: Uncertain significance. Last evaluated: 2025-07-14. Review status: criteria provided, single submitter. Criteria: GeneDx Variant Classification Process June 2021. Collection method: clinical testing. Allele origin: germline. Affected: yes.
Comment: Not observed at significant frequency in large population cohorts (gnomAD); In silico analysis supports a deleterious effect on splicing; Has not been previously published as pathogenic or benign to our knowledge

PreventionGenetics, part of Exact Sciences
Classification: Likely benign for MYH9-related condition. Last evaluated: 2023-06-13. Review status: no assertion criteria provided. Collection method: clinical testing. Allele origin: germline. Not counted in ClinVar's aggregate classification.
Comment: This variant is classified as likely benign based on ACMG/AMP sequence variant interpretation guidelines (Richards et al. 2015 PMID: 25741868, with internal and published modifications).